The following is an entry in ClinVar:

ClinVar aggregate classification (germline): Uncertain significance (1 of 4 stars; one submission).

gnomAD v4.1: 2 of 1,612,140 alleles (0.00012%); highest among the groups gnomAD compares: Non-Finnish European, 0.000085%; no homozygotes.

Submission:

Labcorp Genetics (formerly Invitae), Labcorp
Classification: Uncertain significance. Last evaluated: 2024-08-22. Review status: criteria provided, single submitter. Criteria: Invitae Variant Classification Sherloc (09022015). Collection method: clinical testing. Allele origin: germline.
Comment: This sequence change replaces arginine, which is basic and polar, with serine, which is neutral and polar, at codon 2170 of the DCHS1 protein (p.Arg2170Ser). The frequency data for this variant in the population databases is considered unreliable, as metrics indicate poor data quality at this position in the gnomAD database. This variant has not been reported in the literature in individuals affected with DCHS1-related conditions. Invitae Evidence Modeling of protein sequence and biophysical properties (such as structural, functional, and spatial information, amino acid conservation, physicochemical variation, residue mobility, and thermodynamic stability) indicates that this missense variant is not expected to disrupt DCHS1 protein function with a negative predictive value of 80%. In summary, the available evidence is currently insufficient to determine the role of this variant in disease. Therefore, it has been classified as a Variant of Uncertain Significance.

NM_003737.4(DCHS1):c.6508C>A (p.Arg2170Ser)

Gene: DCHS1 (dachsous cadherin-related 1; minus strand). Cytogenetic location: 11p15.4.
Variant type: single nucleotide variant.
Coding change: c.6508C>A on transcript NM_003737.4 (MANE Select); coding-DNA position 6508, C replaced by A.
Protein change: p.Arg2170Ser; replaces arginine 2170 with serine.
Molecular consequence: missense variant.
Genome position (GRCh38, 1-based): chr11:6,626,237, G>T on the plus strand (C>A on the coding strand, the complement: DCHS1 is on the minus strand). VCF-style: chr11-6626237-G-T. GRCh37 (hg19) VCF-style: chr11-6647468-G-T.
Other names: short protein forms R2170S.
Identifiers: ClinVar variation 3663283 (VCV003663283.2).
Genomic context (GRCh38, chr11:6,626,237, plus strand): 5'-GGGGCCCCTCCAAGGGCCGGGACTCAGGAAGGAAGGCCACATAATGGGGCCGCAGGAAAC[G>T]GGGAGCATTGTCGTTGGCATCTTGCAGGGTCAGGGTCAGCACAGTGAAGGCAAAGGCTCC-3'
Protein context (NP_003728.1, residues 2160-2180): TLQDANDNAP[Arg2170Ser]FLRPHYVAFL